The following is an entry in ClinVar:

NM_030761.5(WNT4):c.854G>A (p.Arg285His)

Gene: WNT4 (Wnt family member 4; minus strand). Cytogenetic location: 1p36.12.
Variant type: single nucleotide variant.
Coding change: c.854G>A on transcript NM_030761.5 (MANE Select); coding-DNA position 854, G replaced by A.
Protein change: p.Arg285His; replaces arginine 285 with histidine.
Molecular consequence: missense variant.
Genome position (GRCh38, 1-based): chr1:22,120,252, C>T on the plus strand (G>A on the coding strand, the complement: WNT4 is on the minus strand). VCF-style: chr1-22120252-C-T. GRCh37 (hg19) VCF-style: chr1-22446745-C-T.
Other names: short protein forms R285H.
Identifiers: ClinVar variation 1337432 (VCV001337432.8), dbSNP rs142042206, ClinGen allele CA675262.
Genomic context (GRCh38, chr1:22,120,252, plus strand): 5'-CCGTCGATGGCCTTGGACGTCTTGTTGCATGTGCGGCCCCTCGTGCCCAGCACGCCGCTG[C>T]GCATGTCCTGCTCACAGAAGTCGGGGCTAGGCTCCAAGTACACCAGGTCCTCATCTGTGT-3'
Protein context (NP_110388.2, residues 275-295): PSPDFCEQDM[Arg285His]SGVLGTRGRT

ClinVar aggregate classification (germline): Uncertain significance. Review status: criteria provided, multiple submitters, no conflicts (2 of 4 stars). 3 submissions from 3 submitters: Uncertain significance (3). Last evaluated 2024-05-17.

Conditions:
Mullerian aplasia and hyperandrogenism. Also called: MULLERIAN DUCT FAILURE AND HYPERANDROGENISM. Identifiers: Orphanet 247768, MedGen C2675014, MONDO:0008019, OMIM 158330.
SERKAL syndrome (SERKAL). Also called: 46,XX SEX REVERSAL WITH DYSGENESIS OF KIDNEYS, ADRENALS, AND LUNGS. Identifiers: Orphanet 139466, MedGen C2678492, MONDO:0012734, OMIM 611812.

Allele frequency attached by ClinVar (database versions not stated): gnomAD exomes 0.00003 and 0.00007; gnomAD 0.00004 and 0.00006; TOPMed 0.00004; ExAC 0.00007; ESP Exome Variant Server 0.00008; 1000 Genomes Project 30x 0.00016; 1000 Genomes Project 0.00020.

Submissions (3):

Fulgent Genetics
Classification: Uncertain significance for Mullerian aplasia and hyperandrogenism; SERKAL syndrome. Last evaluated: 2024-05-17. Review status: criteria provided, single submitter. Criteria: ACMG Guidelines, 2015. Collection method: clinical testing. Allele origin: germline.

Labcorp Genetics (formerly Invitae), Labcorp
Classification: Uncertain significance. Last evaluated: 2023-09-09. Review status: criteria provided, single submitter. Criteria: Invitae Variant Classification Sherloc (09022015). Collection method: clinical testing. Allele origin: germline.
Comment: In summary, the available evidence is currently insufficient to determine the role of this variant in disease. Therefore, it has been classified as a Variant of Uncertain Significance. Advanced modeling of protein sequence and biophysical properties (such as structural, functional, and spatial information, amino acid conservation, physicochemical variation, residue mobility, and thermodynamic stability) performed at Invitae indicates that this missense variant is not expected to disrupt WNT4 protein function. ClinVar contains an entry for this variant (Variation ID: 1337432). This variant has not been reported in the literature in individuals affected with WNT4-related conditions. This variant is present in population databases (rs142042206, gnomAD 0.04%). This sequence change replaces arginine, which is basic and polar, with histidine, which is basic and polar, at codon 285 of the WNT4 protein (p.Arg285His).

Genetic Services Laboratory, University of Chicago
Classification: Uncertain significance. Last evaluated: 2019-11-20. Review status: criteria provided, single submitter. Criteria: ACMG Guidelines, 2015. Collection method: clinical testing. Allele origin: germline. Affected: no.